The following is an entry in ClinVar:

ClinVar aggregate classification (germline): Uncertain significance (1 of 4 stars; one submission).

Conditions:
Hereditary cancer-predisposing syndrome. Also called: Hereditary neoplastic syndrome; Neoplastic Syndromes, Hereditary; Tumor predisposition; Hereditary Cancer Syndrome. Identifiers: Orphanet 140162, MedGen C0027672, MeSH D009386, MONDO:0015356.

Submission:

Ambry Genetics
Classification: Uncertain significance for Hereditary cancer-predisposing syndrome. Last evaluated: 2025-08-27. Review status: criteria provided, single submitter. Criteria: Ambry Variant Classification Scheme 2023. Collection method: clinical testing. Allele origin: germline.
Comment: The p.N171I variant (also known as c.512A>T), located in coding exon 7 of the MUTYH gene, results from an A to T substitution at nucleotide position 512. The asparagine at codon 171 is replaced by isoleucine, an amino acid with dissimilar properties. This amino acid position is conserved. In addition, this alteration is predicted to be tolerated by in silico analysis. Based on the available evidence, the clinical significance of this variant remains unclear.

NM_001048174.2(MUTYH):c.428A>T (p.Asn143Ile)

Gene: MUTYH (mutY DNA glycosylase; minus strand). Cytogenetic location: 1p34.1.
Variant type: single nucleotide variant.
Coding change: c.428A>T on transcript NM_001048174.2 (MANE Select); coding-DNA position 428, A replaced by T.
Protein change: p.Asn143Ile; replaces asparagine 143 with isoleucine.
Molecular consequence: missense variant. On other transcripts: non-coding transcript variant (7).
Genome position (GRCh38, 1-based): chr1:45,332,827, T>A on the plus strand (A>T on the coding strand, the complement: MUTYH is on the minus strand). VCF-style: chr1-45332827-T-A. GRCh37 (hg19) VCF-style: chr1-45798499-T-A.
Other names: c.512A>T, p.Asn171Ile (NM_001128425.2); c.473A>T, p.Asn158Ile (NM_001293190.2); c.461A>T, p.Asn154Ile (NM_001293191.2, NM_001407069.1, NM_001407077.1); c.152A>T, p.Asn51Ile (NM_001293192.2, NM_001293196.2, NM_001407091.1); c.428A>T, p.Asn143Ile (NM_001293195.2, NM_001407088.1, NM_001407089.1 and 6 more transcripts); c.83A>T, p.Asn28Ile (NM_001350650.2, NM_001350651.2, NM_001407082.1); c.470A>T, p.Asn157Ile (NM_001407083.1, NM_001407085.1); c.431A>T, p.Asn144Ile (NM_001407086.1, NM_001048172.2, NM_001407071.1 and 1 more transcripts); and 5 more; short protein forms N150I, N158I, N168I, N51I, N115I, N154I, N171I, N130I.
Identifiers: ClinVar variation 4113706 (VCV004113706.1).